The following is an entry in ClinVar:

NM_017813.5(BPNT2):c.652G>T (p.Ala218Ser)

Gene: BPNT2 (3'(2'), 5'-bisphosphate nucleotidase 2; minus strand). Cytogenetic location: 8q12.1.
Variant type: single nucleotide variant.
Coding change: c.652G>T on transcript NM_017813.5 (MANE Select); coding-DNA position 652, G replaced by T.
Protein change: p.Ala218Ser; replaces alanine 218 with serine.
Molecular consequence: missense variant.
Genome position (GRCh38, 1-based): chr8:56,966,347, C>A on the plus strand (G>T on the coding strand, the complement: BPNT2 is on the minus strand). VCF-style: chr8-56966347-C-A. GRCh37 (hg19) VCF-style: chr8-57878906-C-A.
Other names: c.652G>T (NM_017813.3); short protein forms A218S.
Identifiers: ClinVar variation 363407 (VCV000363407.10), dbSNP rs376366002, ClinGen allele CA10625657.
Genomic context (GRCh38, chr8:56,966,347, plus strand): 5'-TTGGGGTCTTCTCATTGTAGGAAGAGCGGGCTTTCACATTTGAACCACCATCTACCATTG[C>A]CCAAGCTGAAAAGCAAATATAATATCCATTAATGGCACTGAAGCTTTAAAACTAAAGGTT-3'
Protein context (NP_060283.3, residues 208-228): HKPFSEYTAW[Ala218Ser]MVDGGSNVKA

ClinVar aggregate classification (germline): Uncertain significance. Review status: criteria provided, multiple submitters, no conflicts (2 of 4 stars). 3 submissions from 3 submitters: Uncertain significance (3). Last evaluated 2023-03-06.

Conditions:
Chondrodysplasia with joint dislocations, gPAPP type. Also called: GPAPP DEFICIENCY. Identifiers: Orphanet 280586, MedGen C3279757, MONDO:0013561, OMIM 614078.

Allele frequency attached by ClinVar (database versions not stated): gnomAD 0.00001; gnomAD exomes 0.00001 and 0.00003; TOPMed 0.00002; ESP Exome Variant Server 0.00008.
gnomAD v4.1: 38 of 1,613,388 alleles (0.0024%); highest among the groups gnomAD compares: Non-Finnish European, 0.0031%; no homozygotes.

Submissions (3):

Ambry Genetics
Classification: Uncertain significance. Last evaluated: 2023-03-06. Review status: criteria provided, single submitter. Criteria: Ambry Variant Classification Scheme 2023. Collection method: clinical testing. Allele origin: germline.

Labcorp Genetics (formerly Invitae), Labcorp
Classification: Uncertain significance. Last evaluated: 2022-03-19. Review status: criteria provided, single submitter. Criteria: Invitae Variant Classification Sherloc (09022015). Collection method: clinical testing. Allele origin: germline.
Comment: This sequence change replaces alanine, which is neutral and non-polar, with serine, which is neutral and polar, at codon 218 of the IMPAD1 protein (p.Ala218Ser). This variant is present in population databases (rs376366002, gnomAD 0.002%). This variant has not been reported in the literature in individuals affected with IMPAD1-related conditions. ClinVar contains an entry for this variant (Variation ID: 363407). Algorithms developed to predict the effect of missense changes on protein structure and function are either unavailable or do not agree on the potential impact of this missense change (SIFT: "Tolerated"; PolyPhen-2: "Possibly Damaging"; Align-GVGD: "Class C0"). In summary, the available evidence is currently insufficient to determine the role of this variant in disease. Therefore, it has been classified as a Variant of Uncertain Significance.

Illumina Laboratory Services, Illumina
Classification: Uncertain significance for Chondrodysplasia with joint dislocations, gPAPP type. Last evaluated: 2018-01-13. Review status: criteria provided, single submitter. Criteria: ICSL Variant Classification Criteria 13 December 2019. Collection method: clinical testing. Allele origin: germline.